The following is an entry in ClinVar:

NM_001365536.1(SCN9A):c.1047G>C (p.Trp349Cys)

Genes: SCN1A-AS1 (SCN1A and SCN9A antisense RNA 1; plus strand), SCN9A (sodium voltage-gated channel alpha subunit 9; minus strand). Cytogenetic location: 2q24.3.
Variant type: single nucleotide variant.
Coding change: c.1047G>C on transcript NM_001365536.1 (MANE Select); coding-DNA position 1047, G replaced by C.
Protein change: p.Trp349Cys; replaces tryptophan 349 with cysteine.
Molecular consequence: missense variant.
Genome position (GRCh38, 1-based): chr2:166,293,291, C>G on the plus strand (G>C on the coding strand, the complement: SCN9A is on the minus strand). VCF-style: chr2-166293291-C-G. GRCh37 (hg19) VCF-style: chr2-167149801-C-G.
Other names: c.1047G>C, p.Trp349Cys (NM_002977.4); short protein forms W349C.
Identifiers: ClinVar variation 2954115 (VCV002954115.3), dbSNP rs1553492440, ClinGen allele CA349089033.

ClinVar aggregate classification (germline): Uncertain significance (1 of 4 stars; one submission).

Conditions:
Neuropathy, hereditary sensory and autonomic, type 2A (HSAN2A). Also called: MORVAN DISEASE; NEUROPATHY, CONGENITAL SENSORY; NEUROPATHY, HEREDITARY SENSORY RADICULAR, AUTOSOMAL RECESSIVE; NEUROPATHY, HEREDITARY SENSORY, TYPE IIA; NEUROPATHY, PROGRESSIVE SENSORY, OF CHILDREN; HSAN IIA. Identifiers: Orphanet 970, MedGen C2752089, MONDO:0024309, OMIM 201300.
Generalized epilepsy with febrile seizures plus, type 7 (GEFSP7). Also called: GEFS+, TYPE 7. Identifiers: Orphanet 36387, MedGen C2751778, MONDO:0013470, OMIM 613863.

Submission:

Labcorp Genetics (formerly Invitae), Labcorp
Classification: Uncertain significance for Neuropathy, hereditary sensory and autonomic, type 2A; Generalized epilepsy with febrile seizures plus, type 7. Last evaluated: 2023-11-22. Review status: criteria provided, single submitter. Criteria: Invitae Variant Classification Sherloc (09022015). Collection method: clinical testing. Allele origin: germline.
Comment: This sequence change replaces tryptophan, which is neutral and slightly polar, with cysteine, which is neutral and slightly polar, at codon 349 of the SCN9A protein (p.Trp349Cys). This variant is not present in population databases (gnomAD no frequency). This variant has not been reported in the literature in individuals affected with SCN9A-related conditions. Advanced modeling of protein sequence and biophysical properties (such as structural, functional, and spatial information, amino acid conservation, physicochemical variation, residue mobility, and thermodynamic stability) has been performed at Invitae for this missense variant, however the output from this modeling did not meet the statistical confidence thresholds required to predict the impact of this variant on SCN9A protein function. In summary, the available evidence is currently insufficient to determine the role of this variant in disease. Therefore, it has been classified as a Variant of Uncertain Significance.